The following is an entry in ClinVar:

ClinVar aggregate classification (germline): Uncertain significance. Review status: criteria provided, multiple submitters, no conflicts (2 of 4 stars). 2 submissions from 2 submitters: Uncertain significance (2). Last evaluated 2026-07-24.

Conditions:
PLXNA2-related disorder. Also called: PLXNA2-related condition.

gnomAD v4.1: 33 of 1,614,078 alleles (0.002%); highest among the groups gnomAD compares: Non-Finnish European, 0.0025%; no homozygotes.

Submissions (2):

PreventionGenetics, part of Exact Sciences
Classification: Uncertain significance for PLXNA2-related condition. Last evaluated: 2026-07-24. Review status: criteria provided, single submitter. Criteria: ACMG Guidelines, 2015. Collection method: clinical testing. Allele origin: germline.
Comment: The PLXNA2 c.3785G>A variant is predicted to result in the amino acid substitution p.Arg1262His. To our knowledge, this variant has not been reported in the literature. This variant is reported in 0.0062% of alleles in individuals of African descent in gnomAD. At this time, the clinical significance of this variant is uncertain due to the absence of conclusive functional and genetic evidence.

Ambry Genetics
Classification: Uncertain significance. Last evaluated: 2025-08-08. Review status: criteria provided, single submitter. Criteria: Ambry Variant Classification Scheme 2023. Collection method: clinical testing. Allele origin: germline.

NM_025179.4(PLXNA2):c.3785G>A (p.Arg1262His)

Gene: PLXNA2 (plexin A2; minus strand). Cytogenetic location: 1q32.2.
Variant type: single nucleotide variant.
Coding change: c.3785G>A on transcript NM_025179.4 (MANE Select); coding-DNA position 3785, G replaced by A.
Protein change: p.Arg1262His; replaces arginine 1262 with histidine.
Molecular consequence: missense variant.
Genome position (GRCh38, 1-based): chr1:208,044,597, C>T on the plus strand (G>A on the coding strand, the complement: PLXNA2 is on the minus strand). VCF-style: chr1-208044597-C-T. GRCh37 (hg19) VCF-style: chr1-208217942-C-T.
Other names: short protein forms R1262H.
Identifiers: ClinVar variation 4140096 (VCV004140096.2).